The following is an entry in ClinVar:

NM_017491.5(WDR1):c.1172C>T (p.Thr391Ile)

Gene: WDR1 (WD repeat domain 1; minus strand). Cytogenetic location: 4p16.1.
Variant type: single nucleotide variant.
Coding change: c.1172C>T on transcript NM_017491.5 (MANE Select); coding-DNA position 1172, C replaced by T.
Protein change: p.Thr391Ile; replaces threonine 391 with isoleucine.
Molecular consequence: missense variant.
Genome position (GRCh38, 1-based): chr4:10,083,046, G>A on the plus strand (C>T on the coding strand, the complement: WDR1 is on the minus strand). VCF-style: chr4-10083046-G-A. GRCh37 (hg19) VCF-style: chr4-10084670-G-A.
Other names: c.752C>T, p.Thr251Ile (NM_005112.5); short protein forms T251I, T391I.
Identifiers: ClinVar variation 1695091 (VCV001695091.31), dbSNP rs2109645428, ClinGen allele CA356359352.
Genomic context (GRCh38, chr4:10,083,046, plus strand): 5'-CTCATCCGGAACCCCCGCAGACCCGAGTGCTCTCACCTGTAGTCCCGCAGCATGAGGCTG[G>A]TGTACCGCACGGTGTCGTCCATGCTGCAGCTGATGAGCTGCCCCGACTCATCCACGGTCA-3'
Protein context (NP_059830.1, residues 381-401): SCSMDDTVRY[Thr391Ile]SLMLRDYSGQ

ClinVar aggregate classification (germline): Uncertain significance (1 of 4 stars; one submission).

Allele frequency attached by ClinVar (database versions not stated): gnomAD exomes below 0.00001.
gnomAD v4.1: 2 of 1,613,520 alleles (0.00012%); highest among the groups gnomAD compares: Non-Finnish European, 0.00017%; no homozygotes.

Submission:

CeGaT Center for Human Genetics Tuebingen
Classification: Uncertain significance. Last evaluated: 2022-06-01. Review status: criteria provided, single submitter. Criteria: CeGaT Center For Human Genetics Tuebingen Variant Classification Criteria Version 2. Collection method: clinical testing. Allele origin: germline. Affected: yes. Observed: 1 variant allele.
Comment: WDR1: PM2